The following is an entry in ClinVar:

NC_000007.14:g.(?_33505463)_(33505645_?)del

Gene: BBS9 (Bardet-Biedl syndrome 9; plus strand). Cytogenetic location: 7p14.3.
Variant type: Deletion.
Identifiers: ClinVar variation 832348 (VCV000832348.4).

ClinVar aggregate classification (germline): Uncertain significance (1 of 4 stars; one submission).

Conditions:
Bardet-Biedl syndrome (BBS). Identifiers: Orphanet 110, MedGen C0752166, MONDO:0015229.

Submission:

Labcorp Genetics (formerly Invitae), Labcorp
Classification: Uncertain significance for Bardet-Biedl syndrome. Last evaluated: 2021-02-12. Review status: criteria provided, single submitter. Criteria: Invitae Variant Classification Sherloc (09022015). Collection method: clinical testing. Allele origin: germline.
Comment: This variant is an in-frame deletion of the genomic region encompassing exon 20 of the BBS9 gene. It preserves the integrity of the reading frame. This variant has not been reported in the literature in individuals with BBS9-related conditions. In summary, the available evidence is currently insufficient to determine the role of this variant in disease. Therefore, it has been classified as a Variant of Uncertain Significance.